The following is an entry in ClinVar:

NM_006258.4(PRKG1):c.61C>A (p.Arg21=)

Gene: PRKG1 (protein kinase cGMP-dependent 1; plus strand). Cytogenetic location: 10q11.23.
Variant type: single nucleotide variant.
Coding change: c.61C>A on transcript NM_006258.4 (MANE Select); coding-DNA position 61, C replaced by A.
Protein change: p.Arg21=; no amino-acid change (arginine 21 retained).
Molecular consequence: synonymous variant. On other transcripts: intron variant (1).
Genome position (GRCh38, 1-based): chr10:51,074,651, C>A. VCF-style: chr10-51074651-C-A. GRCh37 (hg19) VCF-style: chr10-52834411-C-A.
Other names: p.Arg21=; c.61C>A, p.Arg21= (NM_001374782.1); c.267-78513C>A (NM_001098512.3).
Identifiers: ClinVar variation 4683511 (VCV004683511.2).

ClinVar aggregate classification (germline): Likely benign. Review status: criteria provided, multiple submitters, no conflicts (2 of 4 stars). 2 submissions from 2 submitters: Likely benign (2). Last evaluated 2025-06-29.

Conditions:
Aortic aneurysm, familial thoracic 8 (AAT8). Identifiers: MedGen C3809513, MONDO:0014187, OMIM 615436.

gnomAD v4.1: 3 of 1,614,054 alleles (0.00019%); highest among the groups gnomAD compares: Admixed American, 0.0033%; no homozygotes.

Submissions (2):

Labcorp Genetics (formerly Invitae), Labcorp
Classification: Likely benign for Aortic aneurysm, familial thoracic 8. Last evaluated: 2025-06-29. Review status: criteria provided, single submitter. Criteria: Invitae Variant Classification Sherloc (09022015). Collection method: clinical testing. Allele origin: germline.

Mayo Clinic Laboratories, Mayo Clinic
Classification: Likely benign. Last evaluated: 2025-02-17. Review status: criteria provided, single submitter. Criteria: ACMG Guidelines, 2015. Collection method: clinical testing. Allele origin: germline. Observed: 1 variant allele.
Comment: BP4, BP7